The following is an entry in ClinVar:

NM_001388492.1(HTT):c.9291C>T (p.Asp3097=)

Gene: HTT (huntingtin; plus strand). Cytogenetic location: 4p16.3.
Variant type: single nucleotide variant.
Coding change: c.9291C>T on transcript NM_001388492.1 (MANE Select); coding-DNA position 9291, C replaced by T.
Protein change: p.Asp3097=; no amino-acid change (aspartic acid 3097 retained).
Molecular consequence: synonymous variant.
Genome position (GRCh38, 1-based): chr4:3,239,921, C>T. VCF-style: chr4-3239921-C-T. GRCh37 (hg19) VCF-style: chr4-3241648-C-T.
Other names: c.9297C>T, p.Asp3099= (NM_002111.8).
Identifiers: ClinVar variation 1551830 (VCV001551830.31), dbSNP rs372911161, ClinGen allele CA2825945.
Genomic context (GRCh38, chr4:3,239,921, plus strand): 5'-CAGCAGGATGGGCAAGCTGGAGCAGGTGGACGTGAACCTTTTCTGCCTGGTCGCCACAGA[C>T]TTCTACAGACACCAGATAGAGGAGGAGCTCGACCGCAGGGCCTTCCAGTCTGTGCTTGAG-3'
Protein context (NP_001375421.1, residues 3087-3107): DVNLFCLVAT[Asp3097=]FYRHQIEEEL

ClinVar aggregate classification (germline): Likely benign. Review status: criteria provided, multiple submitters, no conflicts (2 of 4 stars). 2 submissions from 2 submitters: Likely benign (2). Last evaluated 2023-12-11.

Allele frequency attached by ClinVar (database versions not stated): 1000 Genomes Project 30x 0.00016; TOPMed 0.00016; gnomAD 0.00022 and 0.00024; gnomAD exomes 0.00028 and 0.00054; ESP Exome Variant Server 0.00039; ExAC 0.00085.

Submissions (2):

Labcorp Genetics (formerly Invitae), Labcorp
Classification: Likely benign. Last evaluated: 2023-12-11. Review status: criteria provided, single submitter. Criteria: Invitae Variant Classification Sherloc (09022015). Collection method: clinical testing. Allele origin: germline.

CeGaT Center for Human Genetics Tuebingen
Classification: Likely benign. Last evaluated: 2023-03-01. Review status: criteria provided, single submitter. Criteria: CeGaT Center For Human Genetics Tuebingen Variant Classification Criteria Version 2. Collection method: clinical testing. Allele origin: germline. Affected: yes. Observed: 1 variant allele.
Comment: HTT: BP4